The following is an entry in ClinVar:

NM_177438.3(DICER1):c.358A>C (p.Lys120Gln)

Gene: DICER1 (dicer 1, ribonuclease III; minus strand). Cytogenetic location: 14q32.13.
Variant type: single nucleotide variant.
Coding change: c.358A>C on transcript NM_177438.3 (MANE Select); coding-DNA position 358, A replaced by C.
Protein change: p.Lys120Gln; replaces lysine 120 with glutamine.
Molecular consequence: missense variant.
Genome position (GRCh38, 1-based): chr14:95,131,589, T>G on the plus strand (A>C on the coding strand, the complement: DICER1 is on the minus strand). VCF-style: chr14-95131589-T-G. GRCh37 (hg19) VCF-style: chr14-95597926-T-G.
Other names: c.358A>C (NM_177438.2); c.358A>C, p.Lys120Gln (NM_001195573.1, NM_001271282.3, NM_001291628.2 and 1 more transcripts); short protein forms K120Q.
Identifiers: ClinVar variation 1060675 (VCV001060675.11), dbSNP rs2140279412, ClinGen allele CA390889204.

ClinVar aggregate classification (germline): Uncertain significance. Review status: criteria provided, multiple submitters, no conflicts (2 of 4 stars). 2 submissions from 2 submitters: Uncertain significance (2). Last evaluated 2023-11-21.

Conditions:
DICER1-related tumor predisposition. Also called: DICER1 syndrome; DICER1-related pleuropulmonary blastoma cancer predisposition syndrome. Identifiers: Orphanet 284343, MedGen C3839822, MONDO:0100216.
Hereditary cancer-predisposing syndrome. Also called: Tumor predisposition; Neoplastic Syndromes, Hereditary; Hereditary Cancer Syndrome; Hereditary neoplastic syndrome. Identifiers: Orphanet 140162, MedGen C0027672, MeSH D009386, MONDO:0015356.

Submissions (2):

Ambry Genetics
Classification: Uncertain significance for Hereditary cancer-predisposing syndrome. Last evaluated: 2023-11-21. Review status: criteria provided, single submitter. Criteria: Ambry Variant Classification Scheme 2023. Collection method: clinical testing. Allele origin: germline.
Comment: The p.K120Q variant (also known as c.358A>C), located in coding exon 3 of the DICER1 gene, results from an A to C substitution at nucleotide position 358. The lysine at codon 120 is replaced by glutamine, an amino acid with similar properties. This amino acid position is conserved. In addition, this alteration is predicted to be tolerated by in silico analysis. Since supporting evidence is limited at this time, the clinical significance of this alteration remains unclear.

Labcorp Genetics (formerly Invitae), Labcorp
Classification: Uncertain significance for DICER1-related tumor predisposition. Last evaluated: 2020-07-08. Review status: criteria provided, single submitter. Criteria: Invitae Variant Classification Sherloc (09022015). Collection method: clinical testing. Allele origin: germline.
Comment: In summary, the available evidence is currently insufficient to determine the role of this variant in disease. Therefore, it has been classified as a Variant of Uncertain Significance. Algorithms developed to predict the effect of missense changes on protein structure and function (SIFT, PolyPhen-2, Align-GVGD) all suggest that this variant is likely to be tolerated, but these predictions have not been confirmed by published functional studies and their clinical significance is uncertain. This variant has not been reported in the literature in individuals with DICER1-related conditions. This variant is not present in population databases (ExAC no frequency). This sequence change replaces lysine with glutamine at codon 120 of the DICER1 protein (p.Lys120Gln). The lysine residue is moderately conserved and there is a small physicochemical difference between lysine and glutamine.